The following is an entry in ClinVar:

NM_000388.4(CASR):c.2298C>G (p.His766Gln)

Gene: CASR (calcium sensing receptor; plus strand). Cytogenetic location: 3q21.1.
Variant type: single nucleotide variant.
Coding change: c.2298C>G on transcript NM_000388.4 (MANE Select); coding-DNA position 2298, C replaced by G.
Protein change: p.His766Gln; replaces histidine 766 with glutamine.
Molecular consequence: missense variant.
Genome position (GRCh38, 1-based): chr3:122,284,252, C>G. VCF-style: chr3-122284252-C-G. GRCh37 (hg19) VCF-style: chr3-122003099-C-G.
Other names: c.2328C>G, p.His776Gln (NM_001178065.2); short protein forms H766Q, H776Q.
Identifiers: ClinVar variation 2141727 (VCV002141727.4), dbSNP rs200723499, ClinGen allele CA82748902.

ClinVar aggregate classification (germline): Uncertain significance (1 of 4 stars; one submission).

Conditions:
Familial hypocalciuric hypercalcemia (FHH). Also called: Familial benign hypercalcemia. Identifiers: Orphanet 405, MedGen C1809471, MONDO:0018458.
Autosomal dominant hypocalcemia 1 (HYPOC1). Also called: HYPOCALCEMIA, FAMILIAL. Identifiers: MedGen C3715128, MONDO:0011013, OMIM 601198.

Submission:

Labcorp Genetics (formerly Invitae), Labcorp
Classification: Uncertain significance for Familial hypocalciuric hypercalcemia; Autosomal dominant hypocalcemia 1. Last evaluated: 2023-09-26. Review status: criteria provided, single submitter. Criteria: Invitae Variant Classification Sherloc (09022015). Collection method: clinical testing. Allele origin: germline.
Comment: An algorithm developed to predict the effect of missense changes on protein structure and function (PolyPhen-2) suggests that this variant is likely to be tolerated. ClinVar contains an entry for this variant (Variation ID: 2141727). This variant has not been reported in the literature in individuals affected with CASR-related conditions. This variant is not present in population databases (gnomAD no frequency). In summary, the available evidence is currently insufficient to determine the role of this variant in disease. Therefore, it has been classified as a Variant of Uncertain Significance. This sequence change replaces histidine, which is basic and polar, with glutamine, which is neutral and polar, at codon 766 of the CASR protein (p.His766Gln).